The following is an entry in ClinVar:

ClinVar aggregate classification (germline): Conflicting classifications of pathogenicity. Review status: criteria provided, conflicting classifications (1 of 4 stars). 4 submissions from 4 submitters: Uncertain significance (1); Benign (1); Likely benign (2). Last evaluated 2026-01-19.

Conditions:
Renal carnitine transport defect (CDSP). Also called: Primary carnitine deficiency; Systemic primary carnitine deficiency; Carnitine Deficiency, Systemic; Systemic primary carnitine deficiency disease; CARNITINE DEFICIENCY, SYSTEMIC, DUE TO DEFECT IN RENAL REABSORPTION OF CARNITINE; CARNITINE TRANSPORTER, PLASMA-MEMBRANE, DEFICIENCY OF. Identifiers: Orphanet 158, MedGen C0342788, MONDO:0008919, OMIM 212140.

Allele frequency attached by ClinVar (database versions not stated): TOPMed 0.00011; 1000 Genomes Project 30x 0.00016.
gnomAD v4.1: 563 of 1,614,136 alleles (0.035%); highest among the groups gnomAD compares: Non-Finnish European, 0.029%; 1 homozygote.

Submissions (5):

Labcorp Genetics (formerly Invitae), Labcorp
Classification: Benign for Renal carnitine transport defect. Last evaluated: 2026-01-19. Review status: criteria provided, single submitter. Criteria: Invitae Variant Classification Sherloc (09022015). Collection method: clinical testing. Allele origin: germline.

Blueprint Genetics
Classification: Likely benign. Last evaluated: 2024-11-22. Review status: criteria provided, single submitter. Criteria: ACMG Guidelines, 2015. Collection method: clinical testing. Allele origin: germline.

Genome-Nilou Lab
Classification: Likely benign for Renal carnitine transport defect. Last evaluated: 2021-07-15. Review status: criteria provided, single submitter. Criteria: ACMG Guidelines, 2015. Collection method: clinical testing. Allele origin: germline. Affected: no.

Illumina Laboratory Services, Illumina
Classification: Uncertain significance for Renal carnitine transport defect. Last evaluated: 2017-04-27. Review status: criteria provided, single submitter. Criteria: ICSL Variant Classification Criteria 13 December 2019. Collection method: clinical testing. Allele origin: germline.
Comment: This variant was observed as part of a predisposition screen in an ostensibly healthy population. A literature search was performed for the gene, cDNA change, and amino acid change (where applicable). Publications were found based on this search. However, the evidence from the literature, in combination with allele frequency data from public databases where available, was not sufficient to rule this variant in or out of causing disease. Therefore, this variant is classified as a variant of unknown significance.

Dr. Peter K. Rogan Lab, Western University
No classification provided (evidence only). Condition: Nonpapillary renal cell carcinoma. Review status: no classification provided. Collection method: in vitro. Allele origin: not applicable. Functional consequence: skipped exon, retained intron. Not counted in ClinVar's aggregate classification.

Literature cited by the submitters: PubMed 26252091 (cited by Illumina Laboratory Services, Illumina); PubMed 12204000 (cited by Illumina Laboratory Services, Illumina); PubMed 25132046 (cited by Illumina Laboratory Services, Illumina).

NM_003060.4(SLC22A5):c.760C>A (p.Arg254=)

Gene: SLC22A5 (solute carrier family 22 member 5; plus strand). Cytogenetic location: 5q31.1.
Variant type: single nucleotide variant.
Coding change: c.760C>A on transcript NM_003060.4 (MANE Select); coding-DNA position 760, C replaced by A.
Protein change: p.Arg254=; no amino-acid change (arginine 254 retained).
Molecular consequence: synonymous variant.
Genome position (GRCh38, 1-based): chr5:132,385,435, C>A. VCF-style: chr5-132385435-C-A. GRCh37 (hg19) VCF-style: chr5-131721127-C-A.
Other names: c.832C>A, p.Arg278= (NM_001308122.2).
Identifiers: ClinVar variation 460415 (VCV000460415.20), dbSNP rs121908893, ClinGen allele CA3403960.
Genomic context (GRCh38, chr5:132,385,435, plus strand): 5'-GGAGTGTGCATATTTTATGCATTTGGCTACATGGTGCTGCCACTGTTTGCTTACTTCATC[C>A]GAGACTGGCGGATGCTGCTGGTGGCGCTGACGATGCCGGGGGTGCTATGCGTGGCACTCT-3'
Protein context (NP_003051.1, residues 244-264): MVLPLFAYFI[Arg254=]DWRMLLVALT